The following is an entry in ClinVar:

ClinVar aggregate classification (germline): Benign. Review status: criteria provided, multiple submitters, no conflicts (2 of 4 stars). 2 submissions from 2 submitters: Benign (2). Last evaluated 2018-01-12.

Conditions:
Erythrocytosis, familial, 3 (ECYT3). Identifiers: Orphanet 247511, MedGen C1853286, MONDO:0012353, OMIM 609820.

Allele frequency attached by ClinVar (database versions not stated): gnomAD 0.18375 and 0.19299; 1000 Genomes Project 0.29153; TOPMed 0.19835; 1000 Genomes Project 30x 0.29029.

Submissions (2):

Illumina Laboratory Services, Illumina
Classification: Benign for Erythrocytosis, familial, 3. Last evaluated: 2018-01-12. Review status: criteria provided, single submitter. Criteria: ICSL Variant Classification Criteria 13 December 2019. Collection method: clinical testing. Allele origin: germline.
Comment: This variant was observed in the ICSL laboratory as part of a predisposition screen in an ostensibly healthy population. It had not been previously curated by ICSL or reported in the Human Gene Mutation Database (HGMD: prior to June 1st, 2018), and was therefore a candidate for classification through an automated scoring system. Utilizing variant allele frequency, disease prevalence and penetrance estimates, and inheritance mode, an automated score was calculated to assess if this variant is too frequent to cause the disease. Based on the score and internal cut-off values, a variant classified as benign is not then subjected to further curation. The score for this variant resulted in a classification of benign for this disease.

Breakthrough Genomics
Classification: Benign. Review status: criteria provided, single submitter. Criteria: ACMG Guidelines, 2015. Collection method: not provided. Allele origin: germline. Inheritance: Autosomal dominant inheritance. Affected: yes.

NM_022051.2(EGLN1):c.-1592T>C

Gene: EGLN1 (egl-9 family hypoxia inducible factor 1; minus strand). Cytogenetic location: 1q42.2.
Variant type: single nucleotide variant.
Coding change: c.-1592T>C on transcript NM_022051.2; 1592 bases upstream of the start codon, T replaced by C.
Genome position (GRCh38, 1-based): chr1:231,423,480, A>G on the plus strand (T>C on the coding strand, the complement: EGLN1 is on the minus strand). VCF-style: chr1-231423480-A-G. GRCh37 (hg19) VCF-style: chr1-231559226-A-G.
Identifiers: ClinVar variation 296223 (VCV000296223.8), dbSNP rs12406290, ClinGen allele CA10610343.
Genomic context (GRCh38, chr1:231,423,480, plus strand): 5'-AAAAAGTTGTAATATGTATTTCAAAAGCAGGATATAAGGAATTATTGTAAACCATATTGT[A>G]GAAGTTTAAAAAGAGGCTTGAATCCAAAAATATAAAACCTCTTCATCAAATATACAGAAT-3'